The following is an entry in ClinVar:

ClinVar aggregate classification (germline): Uncertain significance (1 of 4 stars; one submission).

gnomAD v4.1: 1 of 1,613,060 alleles (0.000062%); highest among the groups gnomAD compares: South Asian, 0.0011%; no homozygotes.

Submission:

Labcorp Genetics (formerly Invitae), Labcorp
Classification: Uncertain significance. Last evaluated: 2025-06-03. Review status: criteria provided, single submitter. Criteria: Invitae Variant Classification Sherloc (09022015). Collection method: clinical testing. Allele origin: germline.
Comment: This sequence change replaces leucine, which is neutral and non-polar, with valine, which is neutral and non-polar, at codon 1295 of the POLE protein (p.Leu1295Val). This variant is present in population databases (no rsID available, gnomAD 0.003%). This variant has not been reported in the literature in individuals affected with POLE-related conditions. Invitae Evidence Modeling of protein sequence and biophysical properties (such as structural, functional, and spatial information, amino acid conservation, physicochemical variation, residue mobility, and thermodynamic stability) indicates that this missense variant is not expected to disrupt POLE protein function with a negative predictive value of 80%. In summary, the available evidence is currently insufficient to determine the role of this variant in disease. Therefore, it has been classified as a Variant of Uncertain Significance.

NM_006231.4(POLE):c.3883C>G (p.Leu1295Val)

Gene: POLE (DNA polymerase epsilon, catalytic subunit; minus strand). Cytogenetic location: 12q24.33.
Variant type: single nucleotide variant.
Coding change: c.3883C>G on transcript NM_006231.4 (MANE Select); coding-DNA position 3883, C replaced by G.
Protein change: p.Leu1295Val; replaces leucine 1295 with valine.
Molecular consequence: missense variant.
Genome position (GRCh38, 1-based): chr12:132,649,428, G>C on the plus strand (C>G on the coding strand, the complement: POLE is on the minus strand). VCF-style: chr12-132649428-G-C. GRCh37 (hg19) VCF-style: chr12-133226014-G-C.
Other names: short protein forms L1295V.
Identifiers: ClinVar variation 4743166 (VCV004743166.1).